The following is an entry in ClinVar:

ClinVar aggregate classification (germline): Uncertain significance (1 of 4 stars; one submission).

Allele frequency attached by ClinVar (database versions not stated): TOPMed 0.00001; gnomAD 0.00002.

Submission:

Women's Health and Genetics/Laboratory Corporation of America, LabCorp
Classification: Uncertain significance. Last evaluated: 2023-10-23. Review status: criteria provided, single submitter. Criteria: LabCorp Variant Classification Summary - May 2015. Collection method: clinical testing. Allele origin: germline.
Comment: Variant summary: CIC c.-11094C>T is located in the untranscribed region upstream of the CIC gene region. This variant is also known as c.1828C>T (p.Arg610Cys) in NM_001304815. The variant was absent in 31224 control chromosomes (gnomAD). The available data on variant occurrences in the general population are insufficient to allow any conclusion about variant significance. To our knowledge, no occurrence of c.-11094C>T in individuals affected with Mental Retardation, Autosomal Dominant 45 and no experimental evidence demonstrating its impact on protein function have been reported. No submitters have cited clinical-significance assessments for this variant to ClinVar after 2014. Based on the evidence outlined above, the variant was classified as uncertain significance.

NM_001386298.1(CIC):c.1828C>T (p.Arg610Cys)

Gene: CIC (capicua transcriptional repressor; plus strand). Cytogenetic location: 19q13.2.
Variant type: single nucleotide variant.
Coding change: c.1828C>T on transcript NM_001386298.1 (MANE Select); coding-DNA position 1828, C replaced by T.
Protein change: p.Arg610Cys; replaces arginine 610 with cysteine.
Molecular consequence: missense variant. On other transcripts: genic upstream transcript variant (1).
Genome position (GRCh38, 1-based): chr19:42,273,611, C>T. VCF-style: chr19-42273611-C-T. GRCh37 (hg19) VCF-style: chr19-42777763-C-T.
Other names: c.-11094C>T (NM_015125.5); c.1828C>T, p.Arg610Cys (NM_001304815.2, NM_001379480.1, NM_001379482.1 and 1 more transcripts); short protein forms R610C.
Identifiers: ClinVar variation 2637416 (VCV002637416.1), dbSNP rs2036862975, ClinGen allele CA406086230.
Genomic context (GRCh38, chr19:42,273,611, plus strand): 5'-TCACGCTTTGAGTTCGACGAGTGTGAGGCGGCCGTGATGCTGGTGTCGCTGGGCAGCTCG[C>T]GCTCAGGCACGCCCTCCTTCTCACCCGTCTCCACTCAATCGCCCTTCTCGCCAGCCCCAT-3'
Protein context (NP_001373227.1, residues 600-620): AVMLVSLGSS[Arg610Cys]SGTPSFSPVS